The following is an entry in ClinVar:

ClinVar aggregate classification (germline): Uncertain significance. Review status: criteria provided, multiple submitters, no conflicts (2 of 4 stars). 2 submissions from 2 submitters: Uncertain significance (2). Last evaluated 2022-01-06.

Conditions:
Leukodystrophy, hypomyelinating, 6. Also called: LEUKODYSTROPHY, HYPOMYELINATING, WITH ATROPHY OF THE BASAL GANGLIA AND CEREBELLUM; TUBB4A-Associated Leukodystrophy; Hypomyelination with Atrophy of Basal Ganglia and Cerebellum (H-ABC). Identifiers: Orphanet 139441, MedGen C2676244, MONDO:0012905, OMIM 612438.

Allele frequency attached by ClinVar (database versions not stated): gnomAD exomes below 0.00001 and 0.00001; ExAC 0.00001; TOPMed 0.00001.

Submissions (2):

Labcorp Genetics (formerly Invitae), Labcorp
Classification: Uncertain significance for Leukodystrophy, hypomyelinating, 6. Last evaluated: 2022-01-06. Review status: criteria provided, single submitter. Criteria: Invitae Variant Classification Sherloc (09022015). Collection method: clinical testing. Allele origin: germline.
Comment: In summary, the available evidence is currently insufficient to determine the role of this variant in disease. Therefore, it has been classified as a Variant of Uncertain Significance. Algorithms developed to predict the effect of missense changes on protein structure and function are either unavailable or do not agree on the potential impact of this missense change (SIFT: "Deleterious"; PolyPhen-2: "Benign"; Align-GVGD: "Class C25"). ClinVar contains an entry for this variant (Variation ID: 1063091). This variant has not been reported in the literature in individuals affected with TUBB4A-related conditions. This variant is present in population databases (rs746549148, gnomAD 0.0009%). This sequence change replaces arginine, which is basic and polar, with histidine, which is basic and polar, at codon 77 of the TUBB4A protein (p.Arg77His).

GeneDx
Classification: Uncertain significance. Last evaluated: 2021-06-18. Review status: criteria provided, single submitter. Criteria: GeneDx Variant Classification Process June 2021. Collection method: clinical testing. Allele origin: germline. Affected: yes.
Comment: Not observed at significant frequency in large population cohorts (Lek et al., 2016); In silico analysis supports that this missense variant has a deleterious effect on protein structure/function; Has not been previously published as pathogenic or benign to our knowledge; This variant is associated with the following publications: (PMID: 24785942, 27535533)

NM_006087.4(TUBB4A):c.230G>A (p.Arg77His)

Gene: TUBB4A (tubulin beta 4A class IVa; minus strand). Cytogenetic location: 19p13.3.
Variant type: single nucleotide variant.
Coding change: c.230G>A on transcript NM_006087.4 (MANE Select); coding-DNA position 230, G replaced by A.
Protein change: p.Arg77His; replaces arginine 77 with histidine.
Molecular consequence: missense variant.
Genome position (GRCh38, 1-based): chr19:6,501,334, C>T on the plus strand (G>A on the coding strand, the complement: TUBB4A is on the minus strand). VCF-style: chr19-6501334-C-T. GRCh37 (hg19) VCF-style: chr19-6501345-C-T.
Other names: c.383G>A, p.Arg128His (NM_001289123.2); c.365G>A, p.Arg122His (NM_001289127.2); c.230G>A, p.Arg77His (NM_001289129.2); c.14G>A, p.Arg5His (NM_001289130.2, NM_001289131.2); short protein forms R122H, R128H, R5H, R77H.
Identifiers: ClinVar variation 1063091 (VCV001063091.10), dbSNP rs746549148, ClinGen allele CA9127432.